The following is an entry in ClinVar:

ClinVar aggregate classification (germline): Uncertain significance. Review status: criteria provided, multiple submitters, no conflicts (2 of 4 stars). 2 submissions from 2 submitters: Uncertain significance (2). Last evaluated 2025-10-01.

Conditions:
Tuberous sclerosis 2 (TSC2). Identifiers: Orphanet 805, MedGen C1860707, MONDO:0013199, OMIM 613254.
Hereditary cancer-predisposing syndrome. Also called: Hereditary Cancer Syndrome; Hereditary neoplastic syndrome; Neoplastic Syndromes, Hereditary; Tumor predisposition. Identifiers: Orphanet 140162, MedGen C0027672, MeSH D009386, MONDO:0015356.

Submissions (2):

Labcorp Genetics (formerly Invitae), Labcorp
Classification: Uncertain significance for Tuberous sclerosis 2. Last evaluated: 2025-10-01. Review status: criteria provided, single submitter. Criteria: Invitae Variant Classification Sherloc (09022015). Collection method: clinical testing. Allele origin: germline.
Comment: This sequence change replaces alanine, which is neutral and non-polar, with threonine, which is neutral and polar, at codon 551 of the TSC2 protein (p.Ala551Thr). This variant is present in population databases (rs149877669, gnomAD 0.007%). This variant has not been reported in the literature in individuals affected with TSC2-related conditions. ClinVar contains an entry for this variant (Variation ID: 3462600). Invitae Evidence Modeling of protein sequence and biophysical properties (such as structural, functional, and spatial information, amino acid conservation, physicochemical variation, residue mobility, and thermodynamic stability) indicates that this missense variant is not expected to disrupt TSC2 protein function with a negative predictive value of 95%. In summary, the available evidence is currently insufficient to determine the role of this variant in disease. Therefore, it has been classified as a Variant of Uncertain Significance.

Ambry Genetics
Classification: Uncertain significance for Hereditary cancer-predisposing syndrome. Last evaluated: 2024-08-15. Review status: criteria provided, single submitter. Criteria: Ambry Variant Classification Scheme 2023. Collection method: clinical testing. Allele origin: germline.
Comment: The p.A551T variant (also known as c.1651G>A), located in coding exon 15 of the TSC2 gene, results from a G to A substitution at nucleotide position 1651. The alanine at codon 551 is replaced by threonine, an amino acid with similar properties. This amino acid position is conserved. In addition, this alteration is predicted to be tolerated by in silico analysis. Based on the available evidence, the clinical significance of this variant remains unclear.

NM_000548.5(TSC2):c.1651G>A (p.Ala551Thr)

Gene: TSC2 (TSC complex subunit 2; plus strand). Cytogenetic location: 16p13.3.
Variant type: single nucleotide variant.
Coding change: c.1651G>A on transcript NM_000548.5 (MANE Select); coding-DNA position 1651, G replaced by A.
Protein change: p.Ala551Thr; replaces alanine 551 with threonine.
Molecular consequence: missense variant. On other transcripts: non-coding transcript variant (5).
Genome position (GRCh38, 1-based): chr16:2,065,570, G>A. VCF-style: chr16-2065570-G-A. GRCh37 (hg19) VCF-style: chr16-2115571-G-A.
Other names: c.1651G>A, p.Ala551Thr (NM_001077183.3, NM_001114382.3, NM_001363528.2 and 6 more transcripts); c.1540G>A, p.Ala514Thr (NM_001318827.2, NM_001406670.1, NM_001406678.1); c.1504G>A, p.Ala502Thr (NM_001318829.2, NM_001406675.1, NM_001406676.1 and 1 more transcripts); c.1051G>A, p.Ala351Thr (NM_001318831.2, NM_001406684.1, NM_001406685.1 and 6 more transcripts); c.1684G>A, p.Ala562Thr (NM_001318832.2); c.1741G>A, p.Ala581Thr (NM_001406667.1, NM_001406668.1); c.1639G>A, p.Ala547Thr (NM_001406671.1, NM_001406673.1); c.307G>A, p.Ala103Thr (NM_001406689.1, NM_001406690.1, NM_001406691.1 and 6 more transcripts); and 3 more; short protein forms A17T, A351T, A502T, A514T, A532T, A562T, A551T, A581T.
Identifiers: ClinVar variation 3462600 (VCV003462600.3).